The following is an entry in ClinVar:

NM_001042492.3(NF1):c.4600C>G (p.Arg1534Gly)

Gene: NF1 (neurofibromin 1; plus strand). Cytogenetic location: 17q11.2.
Variant type: single nucleotide variant.
Coding change: c.4600C>G on transcript NM_001042492.3 (MANE Select); coding-DNA position 4600, C replaced by G.
Protein change: p.Arg1534Gly; replaces arginine 1534 with glycine.
Molecular consequence: missense variant.
Genome position (GRCh38, 1-based): chr17:31,261,733, C>G. VCF-style: chr17-31261733-C-G. GRCh37 (hg19) VCF-style: chr17-29588751-C-G.
Other names: c.4537C>G, p.Arg1513Gly (NM_000267.4); short protein forms R1513G, R1534G.
Identifiers: ClinVar variation 4800767 (VCV004800767.1).

ClinVar aggregate classification (germline): Uncertain significance (1 of 4 stars; one submission).

Conditions:
Neurofibromatosis, type 1 (NF1). Also called: VON RECKLINGHAUSEN DISEASE; Neurofibromatosis, type I; NEUROFIBROMATOSIS, TYPE I, SOMATIC; Peripheral type neurofibromatosis. Identifiers: Orphanet 636, MedGen C0027831, MONDO:0018975, OMIM 162200. Disease mechanism: loss of function.

Submission:

Labcorp Genetics (formerly Invitae), Labcorp
Classification: Uncertain significance for Neurofibromatosis, type 1. Last evaluated: 2025-11-09. Review status: criteria provided, single submitter. Criteria: Invitae Variant Classification Sherloc (09022015). Collection method: clinical testing. Allele origin: germline.
Comment: This sequence change replaces arginine, which is basic and polar, with glycine, which is neutral and non-polar, at codon 1513 of the NF1 protein (p.Arg1513Gly). This variant is not present in population databases (gnomAD no frequency). This variant has not been reported in the literature in individuals affected with NF1-related conditions. Invitae Evidence Modeling of protein sequence and biophysical properties (such as structural, functional, and spatial information, amino acid conservation, physicochemical variation, residue mobility, and thermodynamic stability) indicates that this missense variant is expected to disrupt NF1 protein function with a positive predictive value of 95%. In summary, the available evidence is currently insufficient to determine the role of this variant in disease. Therefore, it has been classified as a Variant of Uncertain Significance.